The following is an entry in ClinVar:

NM_018139.3(DNAAF2):c.734C>T (p.Ala245Val)

Gene: DNAAF2 (dynein axonemal assembly factor 2; minus strand). Cytogenetic location: 14q21.3.
Variant type: single nucleotide variant.
Coding change: c.734C>T on transcript NM_018139.3 (MANE Select); coding-DNA position 734, C replaced by T.
Protein change: p.Ala245Val; replaces alanine 245 with valine.
Molecular consequence: missense variant.
Genome position (GRCh38, 1-based): chr14:49,634,416, G>A on the plus strand (C>T on the coding strand, the complement: DNAAF2 is on the minus strand). VCF-style: chr14-49634416-G-A. GRCh37 (hg19) VCF-style: chr14-50101134-G-A.
Other names: c.734C>T, p.Ala245Val (NM_001083908.2); short protein forms A245V.
Identifiers: ClinVar variation 313282 (VCV000313282.12), dbSNP rs754858452, ClinGen allele CA7173040.
Genomic context (GRCh38, chr14:49,634,416, plus strand): 5'-AGGTCCACGTGGTGGCGCTGCACCACGCTGTAGCGAGGCTCGGTGGGGGCGGGCTGCAAG[G>A]CCGCTTCCGGAGGGGAGGGCGCCCGGGGCCCGGGGGCTGCCGGGTACTGGTAAGGGTAGG-3'
Protein context (NP_060609.2, residues 235-255): GPRAPSPPEA[Ala245Val]LQPAPTEPRY

ClinVar aggregate classification (germline): Conflicting classifications of pathogenicity. Review status: criteria provided, conflicting classifications (1 of 4 stars). 3 submissions from 3 submitters: Uncertain significance (2); Likely benign (1). Last evaluated 2022-08-17.

Conditions:
Primary ciliary dyskinesia 10. Also called: CILIARY DYSKINESIA, PRIMARY, 10, WITH OR WITHOUT SITUS INVERSUS. Identifiers: Orphanet 244, MedGen C2675867, MONDO:0012918, OMIM 612518.
Primary ciliary dyskinesia. Also called: Ciliary dyskinesia. Identifiers: Orphanet 244, MedGen C0008780, MONDO:0016575, HP:0012265.

Allele frequency attached by ClinVar (database versions not stated): gnomAD 0.00004 and 0.00006; TOPMed 0.00007; ExAC 0.00008; gnomAD exomes 0.00008; 1000 Genomes Project 30x 0.00062.
gnomAD v4.1: 37 of 1,572,696 alleles (0.0024%); highest among the groups gnomAD compares: East Asian, 0.069%; no homozygotes.

Submissions (3):

Ambry Genetics
Classification: Likely benign for Primary ciliary dyskinesia. Last evaluated: 2022-08-17. Review status: criteria provided, single submitter. Criteria: Ambry Variant Classification Scheme 2023. Collection method: clinical testing. Allele origin: germline.

Labcorp Genetics (formerly Invitae), Labcorp
Classification: Uncertain significance for Primary ciliary dyskinesia. Last evaluated: 2021-08-26. Review status: criteria provided, single submitter. Criteria: Invitae Variant Classification Sherloc (09022015). Collection method: clinical testing. Allele origin: germline.
Comment: This sequence change replaces alanine with valine at codon 245 of the DNAAF2 protein (p.Ala245Val). The alanine residue is weakly conserved and there is a small physicochemical difference between alanine and valine. This variant is present in population databases (rs754858452, ExAC 0.1%). This variant has not been reported in the literature in individuals affected with DNAAF2-related conditions. ClinVar contains an entry for this variant (Variation ID: 313282). Algorithms developed to predict the effect of missense changes on protein structure and function output the following: SIFT: "Tolerated"; PolyPhen-2: "Benign"; Align-GVGD: "Class C0". The valine amino acid residue is found in multiple mammalian species, which suggests that this missense change does not adversely affect protein function. In summary, the available evidence is currently insufficient to determine the role of this variant in disease. Therefore, it has been classified as a Variant of Uncertain Significance.

Illumina Laboratory Services, Illumina
Classification: Uncertain significance for Primary ciliary dyskinesia 10. Last evaluated: 2018-01-12. Review status: criteria provided, single submitter. Criteria: ICSL Variant Classification Criteria 13 December 2019. Collection method: clinical testing. Allele origin: germline.